The following is an entry in ClinVar:

NM_001089.3(ABCA3):c.3914G>A (p.Arg1305Gln)

Gene: ABCA3 (ATP binding cassette subfamily A member 3; minus strand). Cytogenetic location: 16p13.3.
Variant type: single nucleotide variant.
Coding change: c.3914G>A on transcript NM_001089.3 (MANE Select); coding-DNA position 3914, G replaced by A.
Protein change: p.Arg1305Gln; replaces arginine 1305 with glutamine.
Molecular consequence: missense variant.
Genome position (GRCh38, 1-based): chr16:2,283,307, C>T on the plus strand (G>A on the coding strand, the complement: ABCA3 is on the minus strand). VCF-style: chr16-2283307-C-T. GRCh37 (hg19) VCF-style: chr16-2333308-C-T.
Other names: short protein forms R1305Q.
Identifiers: ClinVar variation 2221688 (VCV002221688.7), dbSNP rs368631015, ClinGen allele CA7840324.
Genomic context (GRCh38, chr16:2,283,307, plus strand): 5'-TCGATGAGGAAGAGCAGGATGAGGTAGGCGCACCCTGAGGCGGCCATGGAGGCCACAAAC[C>T]GGCCGACCCCCGGGGCGCTCCAGGCATAGAAGTTCTCCTGGTACTGGATGTCTGTGGGGC-3'
Protein context (NP_001080.2, residues 1295-1315): FYAWSAPGVG[Arg1305Gln]FVASMAASGC

ClinVar aggregate classification (germline): Uncertain significance. Review status: criteria provided, multiple submitters, no conflicts (2 of 4 stars). 3 submissions from 3 submitters: Uncertain significance (3). Last evaluated 2025-07-15.

Conditions:
Hereditary pulmonary alveolar proteinosis. Also called: Pulmonary surfactant metabolism dysfunction. Identifiers: Orphanet 264675, MedGen C3711368, MONDO:0012580.

Allele frequency attached by ClinVar (database versions not stated): ESP Exome Variant Server 0.00008.
gnomAD v4.1: 90 of 1,613,080 alleles (0.0056%); highest among the groups gnomAD compares: Middle Eastern, 0.016%; 1 homozygote.

Submissions (3):

Ambry Genetics
Classification: Uncertain significance for Hereditary pulmonary alveolar proteinosis. Last evaluated: 2025-07-15. Review status: criteria provided, single submitter. Criteria: Ambry Variant Classification Scheme 2023. Collection method: clinical testing. Allele origin: germline.
Comment: The p.R1305Q variant (also known as c.3914G>A), located in coding exon 23 of the ABCA3 gene, results from a G to A substitution at nucleotide position 3914. The arginine at codon 1305 is replaced by glutamine, an amino acid with highly similar properties. This amino acid position is conserved. In addition, the in silico prediction for this alteration is inconclusive. Based on the available evidence, the clinical significance of this variant remains unclear.

Labcorp Genetics (formerly Invitae), Labcorp
Classification: Uncertain significance. Last evaluated: 2025-02-17. Review status: criteria provided, single submitter. Criteria: Invitae Variant Classification Sherloc (09022015). Collection method: clinical testing. Allele origin: germline.
Comment: This sequence change replaces arginine, which is basic and polar, with glutamine, which is neutral and polar, at codon 1305 of the ABCA3 protein (p.Arg1305Gln). This variant is present in population databases (rs368631015, gnomAD 0.01%). This variant has not been reported in the literature in individuals affected with ABCA3-related conditions. ClinVar contains an entry for this variant (Variation ID: 2221688). Invitae Evidence Modeling of protein sequence and biophysical properties (such as structural, functional, and spatial information, amino acid conservation, physicochemical variation, residue mobility, and thermodynamic stability) indicates that this missense variant is not expected to disrupt ABCA3 protein function with a negative predictive value of 80%. In summary, the available evidence is currently insufficient to determine the role of this variant in disease. Therefore, it has been classified as a Variant of Uncertain Significance.

GeneDx
Classification: Uncertain significance. Last evaluated: 2022-11-02. Review status: criteria provided, single submitter. Criteria: GeneDx Variant Classification Process June 2021. Collection method: clinical testing. Allele origin: germline. Affected: yes.
Comment: In silico analysis supports that this missense variant does not alter protein structure/function; Has not been previously published as pathogenic or benign to our knowledge